The following is an entry in ClinVar:

ClinVar aggregate classification (germline): Benign/Likely benign. Review status: criteria provided, multiple submitters, no conflicts (2 of 4 stars). 4 submissions from 4 submitters: Benign (1); Likely benign (2). 1 of the submissions does not count toward it. Last evaluated 2025-06-27.

Conditions:
Ataxia-telangiectasia syndrome (AT). Also called: LOUIS-BAR SYNDROME; Ataxia-telangiectasia; Cerebello-oculocutaneous telangiectasia; Immunodeficiency with ataxia telangiectasia; Ataxia telangiectasia (A-T); Ataxia-telangiectasia, complementation group D. Identifiers: Orphanet 100, MedGen C0004135, MONDO:0008840, OMIM 208900.
Hereditary cancer-predisposing syndrome. Also called: Tumor predisposition; Hereditary neoplastic syndrome; Neoplastic Syndromes, Hereditary; Hereditary Cancer Syndrome. Identifiers: Orphanet 140162, MedGen C0027672, MeSH D009386, MONDO:0015356.
Familial cancer of breast. Also called: BREAST CANCER, FAMILIAL; Hereditary breast cancer; hereditary breast carcinoma. Identifiers: Orphanet 227535, MedGen C0346153, MONDO:0016419, OMIM 114480. Disease mechanism: loss of function.

Submissions (4):

Labcorp Genetics (formerly Invitae), Labcorp
Classification: Likely benign for Ataxia-telangiectasia syndrome. Last evaluated: 2025-06-27. Review status: criteria provided, single submitter. Criteria: Invitae Variant Classification Sherloc (09022015). Collection method: clinical testing. Allele origin: germline.

Myriad Genetics, Inc.
Classification: Benign for Familial cancer of breast. Last evaluated: 2024-05-10. Review status: criteria provided, single submitter. Criteria: Myriad Autosomal Dominant, Autosomal Recessive and X-Linked Classification Criteria (2023). Collection method: clinical testing. Allele origin: unknown.
Comment: This variant is considered benign. This variant is a silent/synonymous amino acid change and it is not expected to impact splicing.

Ambry Genetics
Classification: Likely benign for Hereditary cancer-predisposing syndrome. Last evaluated: 2020-08-17. Review status: criteria provided, single submitter. Criteria: Ambry Variant Classification Scheme 2023. Collection method: clinical testing. Allele origin: germline.

Natera, Inc.
Classification: Likely benign for Ataxia-telangiectasia. Last evaluated: 2025-05-05. Review status: no assertion criteria provided. Collection method: clinical testing. Allele origin: germline. Not counted in ClinVar's aggregate classification.

NM_000051.4(ATM):c.2823C>T (p.Ser941=)

Gene: ATM (ATM serine/threonine kinase; plus strand). Cytogenetic location: 11q22.3.
Variant type: single nucleotide variant.
Coding change: c.2823C>T on transcript NM_000051.4 (MANE Select); coding-DNA position 2823, C replaced by T.
Protein change: p.Ser941=; no amino-acid change (serine 941 retained).
Molecular consequence: synonymous variant.
Genome position (GRCh38, 1-based): chr11:108,268,594, C>T. VCF-style: chr11-108268594-C-T. GRCh37 (hg19) VCF-style: chr11-108139321-C-T.
Other names: c.2823C>T, p.Ser941= (NM_001351834.2).
Identifiers: ClinVar variation 704228 (VCV000704228.15), dbSNP rs750504746, ClinGen allele CA476674042.